The following is an entry in ClinVar:

NM_005204.4(MAP3K8):c.1339G>A (p.Asp447Asn)

Gene: MAP3K8 (mitogen-activated protein kinase kinase kinase 8; plus strand). Cytogenetic location: 10p11.23.
Variant type: single nucleotide variant.
Coding change: c.1339G>A on transcript NM_005204.4 (MANE Select); coding-DNA position 1339, G replaced by A.
Protein change: p.Asp447Asn; replaces aspartic acid 447 with asparagine.
Molecular consequence: missense variant.
Genome position (GRCh38, 1-based): chr10:30,460,771, G>A. VCF-style: chr10-30460771-G-A. GRCh37 (hg19) VCF-style: chr10-30749700-G-A.
Other names: c.1339G>A (NM_005204.3); c.1339G>A, p.Asp447Asn (NM_001244134.1, NM_001320961.2); short protein forms D447N.
Identifiers: ClinVar variation 1397937 (VCV001397937.9), dbSNP rs139316352, ClinGen allele CA5459927.

ClinVar aggregate classification (germline): Conflicting classifications of pathogenicity. Review status: criteria provided, conflicting classifications (1 of 4 stars). 3 submissions from 3 submitters: Uncertain significance (1); Likely benign (1). 1 of the submissions does not count toward it. Last evaluated 2026-01-19.

Conditions:
MAP3K8-related disorder. Also called: MAP3K8-related condition.

Allele frequency attached by ClinVar (database versions not stated): gnomAD exomes 0.00043 and 0.00052; ExAC 0.00050; gnomAD 0.00055; ESP Exome Variant Server 0.00077; TOPMed 0.00080; 1000 Genomes Project 30x 0.00094; 1000 Genomes Project 0.00100.
gnomAD v4.1: 728 of 1,613,958 alleles (0.045%); highest among the groups gnomAD compares: Admixed American, 0.16%; 3 homozygotes.

Submissions (3):

Labcorp Genetics (formerly Invitae), Labcorp
Classification: Uncertain significance. Last evaluated: 2026-01-19. Review status: criteria provided, single submitter. Criteria: Invitae Variant Classification Sherloc (09022015). Collection method: clinical testing. Allele origin: germline.
Comment: This sequence change replaces aspartic acid, which is acidic and polar, with asparagine, which is neutral and polar, at codon 447 of the MAP3K8 protein (p.Asp447Asn). This variant is present in population databases (rs139316352, gnomAD 0.1%), and has an allele count higher than expected for a pathogenic variant. This variant has not been reported in the literature in individuals affected with MAP3K8-related conditions. ClinVar contains an entry for this variant (Variation ID: 1397937). An algorithm developed to predict the effect of missense changes on protein structure and function (PolyPhen-2) suggests that this variant is likely to be disruptive. In summary, the available evidence is currently insufficient to determine the role of this variant in disease. Therefore, it has been classified as a Variant of Uncertain Significance.

Blueprint Genetics
Classification: Likely benign. Last evaluated: 2024-11-22. Review status: criteria provided, single submitter. Criteria: ACMG Guidelines, 2015. Collection method: clinical testing. Allele origin: germline.

PreventionGenetics, part of Exact Sciences
Classification: Likely benign for MAP3K8-related condition. Last evaluated: 2023-02-08. Review status: no assertion criteria provided. Collection method: clinical testing. Allele origin: germline. Not counted in ClinVar's aggregate classification.
Comment: This variant is classified as likely benign based on ACMG/AMP sequence variant interpretation guidelines (Richards et al. 2015 PMID: 25741868, with internal and published modifications).